The following is an entry in ClinVar:

NM_001040142.2(SCN2A):c.5180G>C (p.Gly1727Ala)

Gene: SCN2A (sodium voltage-gated channel alpha subunit 2; plus strand). Cytogenetic location: 2q24.3.
Variant type: single nucleotide variant.
Coding change: c.5180G>C on transcript NM_001040142.2 (MANE Select); coding-DNA position 5180, G replaced by C.
Protein change: p.Gly1727Ala; replaces glycine 1727 with alanine.
Molecular consequence: missense variant.
Genome position (GRCh38, 1-based): chr2:165,388,986, G>C. VCF-style: chr2-165388986-G-C. GRCh37 (hg19) VCF-style: chr2-166245496-G-C.
Other names: c.5180G>C, p.Gly1727Ala (NM_001040143.2, NM_001371246.1, NM_001371247.1 and 1 more transcripts); short protein forms G1727A.
Identifiers: ClinVar variation 2498017 (VCV002498017.4), dbSNP rs1702017827, ClinGen allele CA349038385.

ClinVar aggregate classification (germline): Uncertain significance. Review status: criteria provided, multiple submitters, no conflicts (2 of 4 stars). 2 submissions from 2 submitters: Uncertain significance (2). Last evaluated 2024-05-27.

Conditions:
Seizures, benign familial infantile, 3 (BFIS3). Also called: Familial neonatal seizures; CONVULSIONS, BENIGN FAMILIAL INFANTILE, 3. Identifiers: Orphanet 140927, Orphanet 306, MedGen C1843140, MONDO:0011904, OMIM 607745.
Developmental and epileptic encephalopathy, 11 (DEE11). Also called: Early infantile epileptic encephalopathy 11. Identifiers: Orphanet 1934, MedGen C3150987, MONDO:0013388, OMIM 613721.

Allele frequency attached by ClinVar (database versions not stated): TOPMed below 0.00001.

Submissions (2):

Labcorp Genetics (formerly Invitae), Labcorp
Classification: Uncertain significance for Seizures, benign familial infantile, 3; Developmental and epileptic encephalopathy, 11. Last evaluated: 2024-05-27. Review status: criteria provided, single submitter. Criteria: Invitae Variant Classification Sherloc (09022015). Collection method: clinical testing. Allele origin: germline.
Comment: This sequence change replaces glycine, which is neutral and non-polar, with alanine, which is neutral and non-polar, at codon 1727 of the SCN2A protein (p.Gly1727Ala). This variant is not present in population databases (gnomAD no frequency). This variant has not been reported in the literature in individuals affected with SCN2A-related conditions. ClinVar contains an entry for this variant (Variation ID: 2498017). Advanced modeling of protein sequence and biophysical properties (such as structural, functional, and spatial information, amino acid conservation, physicochemical variation, residue mobility, and thermodynamic stability) performed at Invitae indicates that this missense variant is not expected to disrupt SCN2A protein function with a negative predictive value of 95%. In summary, the available evidence is currently insufficient to determine the role of this variant in disease. Therefore, it has been classified as a Variant of Uncertain Significance.

GeneDx
Classification: Uncertain significance. Last evaluated: 2022-10-05. Review status: criteria provided, single submitter. Criteria: GeneDx Variant Classification Process June 2021. Collection method: clinical testing. Allele origin: germline. Affected: yes.
Comment: Not observed at significant frequency in large population cohorts (gnomAD); Missense variants in this gene are often considered pathogenic (HGMD); In silico analysis supports that this missense variant does not alter protein structure/function; Has not been previously published as pathogenic or benign to our knowledge; This substitution is predicted to be within the extracellular loop between the S5 and S6 transmembrane segments of the fourth homologous domain